The following is an entry in ClinVar:

ClinVar aggregate classification (germline): Uncertain significance. Review status: criteria provided, multiple submitters, no conflicts (2 of 4 stars). 2 submissions from 2 submitters: Uncertain significance (2). Last evaluated 2025-08-27.

Conditions:
Inborn genetic diseases. Identifiers: MedGen C0950123, MeSH D030342.

Allele frequency attached by ClinVar (database versions not stated): gnomAD exomes below 0.00001; gnomAD 0.00001; TOPMed 0.00001; ESP Exome Variant Server 0.00008.
gnomAD v4.1: 7 of 1,614,052 alleles (0.00043%); highest among the groups gnomAD compares: African/African-American, 0.0013%; no homozygotes.

Submissions (2):

Ambry Genetics
Classification: Uncertain significance for Inborn genetic diseases. Last evaluated: 2025-08-27. Review status: criteria provided, single submitter. Criteria: Ambry Variant Classification Scheme 2023. Collection method: clinical testing. Allele origin: germline.

Labcorp Genetics (formerly Invitae), Labcorp
Classification: Uncertain significance. Last evaluated: 2025-02-26. Review status: criteria provided, single submitter. Criteria: Invitae Variant Classification Sherloc (09022015). Collection method: clinical testing. Allele origin: germline.
Comment: This sequence change replaces isoleucine, which is neutral and non-polar, with methionine, which is neutral and non-polar, at codon 532 of the DUOX2 protein (p.Ile532Met). This variant is present in population databases (rs371671846, gnomAD 0.0009%). This variant has not been reported in the literature in individuals affected with DUOX2-related conditions. ClinVar contains an entry for this variant (Variation ID: 1362999). Invitae Evidence Modeling of protein sequence and biophysical properties (such as structural, functional, and spatial information, amino acid conservation, physicochemical variation, residue mobility, and thermodynamic stability) has been performed for this missense variant. However, the output from this modeling did not meet the statistical confidence thresholds required to predict the impact of this variant on DUOX2 protein function. In summary, the available evidence is currently insufficient to determine the role of this variant in disease. Therefore, it has been classified as a Variant of Uncertain Significance.

NM_001363711.2(DUOX2):c.1596T>G (p.Ile532Met)

Gene: DUOX2 (dual oxidase 2; minus strand). Cytogenetic location: 15q21.1.
Variant type: single nucleotide variant.
Coding change: c.1596T>G on transcript NM_001363711.2 (MANE Select); coding-DNA position 1596, T replaced by G.
Protein change: p.Ile532Met; replaces isoleucine 532 with methionine.
Molecular consequence: missense variant.
Genome position (GRCh38, 1-based): chr15:45,107,442, A>C on the plus strand (T>G on the coding strand, the complement: DUOX2 is on the minus strand). VCF-style: chr15-45107442-A-C. GRCh37 (hg19) VCF-style: chr15-45399640-A-C.
Other names: c.1596T>G, p.Ile532Met (NM_014080.5); c.1596T>G (NM_014080.4); short protein forms I532M.
Identifiers: ClinVar variation 1362999 (VCV001362999.8), dbSNP rs371671846, ClinGen allele CA270130260.